The following is an entry in ClinVar:

ClinVar aggregate classification (germline): Uncertain significance (1 of 4 stars; one submission).

Conditions:
Peroxisome biogenesis disorder 9B. Also called: PEX7-Related Refsum Disease; Refsum disease, adult, 2; PEROXISOME BIOGENESIS DISORDER, PEX7-RELATED, ATYPICAL. Identifiers: Orphanet 773, MedGen C2749346, MONDO:0013945, OMIM 614879.

gnomAD v4.1: 1 of 1,612,976 alleles (0.000062%); highest among the groups gnomAD compares: African/African-American, 0.0013%; no homozygotes.

Submission:

Labcorp Genetics (formerly Invitae), Labcorp
Classification: Uncertain significance for Peroxisome biogenesis disorder 9B. Last evaluated: 2022-02-01. Review status: criteria provided, single submitter. Criteria: Invitae Variant Classification Sherloc (09022015). Collection method: clinical testing. Allele origin: germline.
Comment: This variant has not been reported in the literature in individuals affected with PEX7-related conditions. In summary, the available evidence is currently insufficient to determine the role of this variant in disease. Therefore, it has been classified as a Variant of Uncertain Significance. Algorithms developed to predict the effect of missense changes on protein structure and function (SIFT, PolyPhen-2, Align-GVGD) all suggest that this variant is likely to be disruptive. This variant is not present in population databases (gnomAD no frequency). This sequence change replaces threonine, which is neutral and polar, with serine, which is neutral and polar, at codon 150 of the PEX7 protein (p.Thr150Ser).

NM_000288.4(PEX7):c.449C>G (p.Thr150Ser)

Gene: PEX7 (peroxisomal biogenesis factor 7; plus strand). Cytogenetic location: 6q23.3.
Variant type: single nucleotide variant.
Coding change: c.449C>G on transcript NM_000288.4 (MANE Select); coding-DNA position 449, C replaced by G.
Protein change: p.Thr150Ser; replaces threonine 150 with serine.
Molecular consequence: missense variant.
Genome position (GRCh38, 1-based): chr6:136,846,104, C>G. VCF-style: chr6-136846104-C-G. GRCh37 (hg19) VCF-style: chr6-137167242-C-G.
Other names: c.335C>G, p.Thr112Ser (NM_001410945.1); short protein forms T150S, T112S.
Identifiers: ClinVar variation 1924074 (VCV001924074.5), dbSNP rs957954726, ClinGen allele CA148643377.
Genomic context (GRCh38, chr6:136,846,104, plus strand): 5'-AAGTAATTGATCTATTCATTTATTTGTAGTGGGATCCAACTGTTGGAAAGTCTCTGTGCA[C>G]CTTTAGAGGCCATGAAAGTATTATTTATAGCACAATCTGGTCTCCCCACATCCCTGGTTG-3'
Protein context (NP_000279.1, residues 140-160): WDPTVGKSLC[Thr150Ser]FRGHESIIYS